The following is an entry in ClinVar:

ClinVar aggregate classification (germline): Uncertain significance (1 of 4 stars; one submission).

Allele frequency attached by ClinVar (database versions not stated): gnomAD exomes below 0.00001 and 0.00001; TOPMed below 0.00001; ExAC 0.00001; gnomAD 0.00001.
gnomAD v4.1: 14 of 1,612,260 alleles (0.00087%); highest among the groups gnomAD compares: African/African-American, 0.0013%; no homozygotes.

Submission:

GeneDx
Classification: Uncertain significance. Last evaluated: 2017-01-23. Review status: criteria provided, single submitter. Criteria: GeneDx Variant Classification (06012015). Collection method: clinical testing. Allele origin: germline. Affected: yes.
Comment: A variant of uncertain significance has been identified in the KIF5C gene. The K833E variant has not been published as a pathogenic variant, nor has it been reported as a benign variant to our knowledge. The K833E variant is not observed at a significant frequency in large population cohorts (Lek et al., 2016; 1000 Genomes Consortium et al., 2015; Exome Variant Server). The K833E variant is a non-conservative amino acid substitution, which is likely to impact secondary protein structure as these residues differ in polarity, charge, size and/or other properties. This substitution occurs at a position that is conserved across species and in silico analysis predicts this variant is probably damaging to the protein structure/function. However, missense variants in nearby residues have not been reported in Human Gene Mutation Database in association with KIF5C-related disorders (Stenson et al., 2014). Therefore, based on the currently available information, it is unclear whether this variant is a pathogenic variant or a rare benign variant.

NM_004522.3(KIF5C):c.2497A>G (p.Lys833Glu)

Gene: KIF5C (kinesin family member 5C; plus strand). Cytogenetic location: 2q23.2.
Variant type: single nucleotide variant.
Coding change: c.2497A>G on transcript NM_004522.3 (MANE Select); coding-DNA position 2497, A replaced by G.
Protein change: p.Lys833Glu; replaces lysine 833 with glutamic acid.
Molecular consequence: missense variant. On other transcripts: non-coding transcript variant (1).
Genome position (GRCh38, 1-based): chr2:149,008,014, A>G. VCF-style: chr2-149008014-A-G. GRCh37 (hg19) VCF-style: chr2-149864528-A-G.
Other names: short protein forms K833E.
Identifiers: ClinVar variation 393093 (VCV000393093.2), dbSNP rs774772941, ClinGen allele CA1901719.